The following is an entry in ClinVar:

ClinVar aggregate classification (germline): Uncertain significance (1 of 4 stars; one submission).

Conditions:
Inborn genetic diseases. Identifiers: MedGen C0950123, MeSH D030342.

gnomAD v4.1: 1 of 1,605,296 alleles (0.000062%); no homozygotes.

Submission:

Ambry Genetics
Classification: Uncertain significance for Inborn genetic diseases. Last evaluated: 2026-09-14. Review status: criteria provided, single submitter. Criteria: Ambry Variant Classification Scheme 2023. Collection method: clinical testing. Allele origin: germline.
Comment: The c.1391T>A (p.V464D) alteration is located in exon 4 (coding exon 4) of the SMAD6 gene. This alteration results from a T to A substitution at nucleotide position 1391, causing the valine (V) at amino acid position 464 to be replaced by an aspartic acid (D). This variant was not reported in population-based cohorts in the Genome Aggregation Database (gnomAD). This amino acid position is highly conserved in available vertebrate species. This alteration is predicted to be deleterious by in silico analysis. Based on insufficient or conflicting evidence, the clinical significance of this alteration remains unclear.

Literature cited by the submitters: PubMed 40127276.

NM_005585.5(SMAD6):c.1391T>A (p.Val464Asp)

Gene: SMAD6 (SMAD family member 6; plus strand). Cytogenetic location: 15q22.31.
Variant type: single nucleotide variant.
Coding change: c.1391T>A on transcript NM_005585.5 (MANE Select); coding-DNA position 1391, T replaced by A.
Protein change: p.Val464Asp; replaces valine 464 with aspartic acid.
Molecular consequence: missense variant. On other transcripts: non-coding transcript variant (1).
Genome position (GRCh38, 1-based): chr15:66,781,435, T>A. VCF-style: chr15-66781435-T-A. GRCh37 (hg19) VCF-style: chr15-67073773-T-A.
Other names: short protein forms V464D.
Identifiers: ClinVar variation 5029784 (VCV005029784.1).